The following is an entry in ClinVar:

NM_001365.5(DLG4):c.159+13G>A

Genes: ACADVL (acyl-CoA dehydrogenase very long chain; plus strand), DLG4 (discs large MAGUK scaffold protein 4; minus strand). Cytogenetic location: 17p13.1.
Variant type: single nucleotide variant.
Coding change: c.159+13G>A on transcript NM_001365.5 (MANE Plus Clinical); 13 bases into the intron after coding-DNA position 159, G replaced by A.
Molecular consequence: intron variant.
Genome position (GRCh38, 1-based): chr17:7,218,228, C>T on the plus strand (G>A on the coding strand, the complement: DLG4 is on the minus strand). VCF-style: chr17-7218228-C-T. GRCh37 (hg19) VCF-style: chr17-7121547-C-T.
Other names: c.159+13G>A (NM_001321074.1); c.131+410C>T (NM_001270447.2).
Identifiers: ClinVar variation 2431848 (VCV002431848.2), dbSNP rs2508194224, ClinGen allele CA2580094745.

ClinVar aggregate classification (germline): Uncertain significance (1 of 4 stars; one submission).

Conditions:
Intellectual developmental disorder 62. Also called: INTELLECTUAL DEVELOPMENTAL DISORDER, AUTOSOMAL DOMINANT 62; MENTAL RETARDATION, AUTOSOMAL DOMINANT 62. Identifiers: MedGen C5394083, MONDO:0032919, OMIM 618793.

Submission:

Laboratorio de Genetica e Diagnostico Molecular, Hospital Israelita Albert Einstein
Classification: Uncertain significance for Intellectual developmental disorder 62. Last evaluated: 2022-03-16. Review status: criteria provided, single submitter. Criteria: ACMG Guidelines, 2015. Collection method: clinical testing. Allele origin: germline. Affected: yes.
Comment: ACMG classification criteria: PM2 moderated